The following is an entry in ClinVar:

ClinVar aggregate classification (germline): Uncertain significance (1 of 4 stars; one submission).

Conditions:
Long QT syndrome (LQTS). Identifiers: MedGen C0023976, MeSH D008133, MONDO:0002442. Disease mechanism: loss of function. Inheritance: Various modes of inheritance.

Allele frequency attached by ClinVar (database versions not stated): gnomAD exomes below 0.00001.
gnomAD v4.1: 1 of 1,614,202 alleles (0.000062%); highest among the groups gnomAD compares: Non-Finnish European, 0.000085%; no homozygotes.

Submission:

Labcorp Genetics (formerly Invitae), Labcorp
Classification: Uncertain significance for Long QT syndrome. Last evaluated: 2023-07-16. Review status: criteria provided, single submitter. Criteria: Invitae Variant Classification Sherloc (09022015). Collection method: clinical testing. Allele origin: germline.
Comment: In summary, the available evidence is currently insufficient to determine the role of this variant in disease. Therefore, it has been classified as a Variant of Uncertain Significance. Advanced modeling of protein sequence and biophysical properties (such as structural, functional, and spatial information, amino acid conservation, physicochemical variation, residue mobility, and thermodynamic stability) performed at Invitae indicates that this missense variant is not expected to disrupt ANK2 protein function. This variant has not been reported in the literature in individuals affected with ANK2-related conditions. This variant is not present in population databases (gnomAD no frequency). This sequence change replaces valine, which is neutral and non-polar, with alanine, which is neutral and non-polar, at codon 1096 of the ANK2 protein (p.Val1096Ala).

NM_001148.6(ANK2):c.3287T>C (p.Val1096Ala)

Gene: ANK2 (ankyrin 2; plus strand). Cytogenetic location: 4q26.
Variant type: single nucleotide variant.
Coding change: c.3287T>C on transcript NM_001148.6 (MANE Select); coding-DNA position 3287, T replaced by C.
Protein change: p.Val1096Ala; replaces valine 1096 with alanine.
Molecular consequence: missense variant.
Genome position (GRCh38, 1-based): chr4:113,333,116, T>C. VCF-style: chr4-113333116-T-C. GRCh37 (hg19) VCF-style: chr4-114254272-T-C.
Other names: c.3287T>C, p.Val1096Ala (NM_020977.5); c.3221T>C, p.Val1074Ala (NM_001354244.2, NM_001354256.2, NM_001386161.1); c.3125T>C, p.Val1042Ala (NM_001354245.2, NM_001354262.2, NM_001354275.2); c.3284T>C, p.Val1095Ala (NM_001354246.2, NM_001354265.2, NM_001354235.2); c.3101T>C, p.Val1034Ala (NM_001354249.2, NM_001354264.2, NM_001354266.2 and 7 more transcripts); c.3257T>C, p.Val1086Ala (NM_001354252.2, NM_001354239.2); c.3062T>C, p.Val1021Ala (NM_001354253.2, NM_001354270.2); c.3236T>C, p.Val1079Ala (NM_001354254.2); and 28 more; short protein forms V1001A, V1029A, V1030A, V1049A, V1087A, V1110A, V1122A, V1143A.
Identifiers: ClinVar variation 2743885 (VCV002743885.3), dbSNP rs2153942631, ClinGen allele CA357936076.